The following is an entry in ClinVar:

ClinVar aggregate classification (germline): Pathogenic (1 of 4 stars; one submission).

Conditions:
Hearing loss, X-linked 4 (DFNX4). Also called: DEAFNESS, NONSYNDROMIC SENSORINEURAL PROGRESSIVE 6; DEAFNESS, X-LINKED 6, PROGRESSIVE. Identifiers: Orphanet 90625, MedGen C1848204, MONDO:0010238, OMIM 300066.

Submission:

Institute of Rare Diseases, West China Hospital, Sichuan University
Classification: Pathogenic for Hearing loss, X-linked 4. Last evaluated: 2025-01-09. Review status: criteria provided, single submitter. Criteria: ClinGen HL ACMG Specifications v1. Collection method: research. Allele origin: germline. Affected: yes.
Comment: PVS1;PM3_Supporting;PM2_Supporting

NM_014332.3(SMPX):c.265T>C (p.Ter89Gln)

Gene: SMPX (small muscle protein X-linked; minus strand). Cytogenetic location: Xp22.12.
Variant type: single nucleotide variant.
Coding change: c.265T>C on transcript NM_014332.3 (MANE Select); coding-DNA position 265, T replaced by C.
Protein change: p.Ter89Gln.
Molecular consequence: stop lost. On other transcripts: non-coding transcript variant (1).
Genome position (GRCh38, 1-based): chrX:21,737,565, A>G on the plus strand (T>C on the coding strand, the complement: SMPX is on the minus strand). VCF-style: chrX-21737565-A-G. GRCh37 (hg19) VCF-style: chrX-21755683-A-G.
Identifiers: ClinVar variation 3601795 (VCV003601795.1).